The following is an entry in ClinVar:

ClinVar aggregate classification (germline): Likely benign (1 of 4 stars; one submission).

Submission:

CeGaT Center for Human Genetics Tuebingen
Classification: Likely benign. Last evaluated: 2023-11-01. Review status: criteria provided, single submitter. Criteria: CeGaT Center For Human Genetics Tuebingen Variant Classification Criteria Version 2. Collection method: clinical testing. Allele origin: germline. Affected: yes. Observed: 1 variant allele.
Comment: CHD1: PM4:Supporting, BS2

NM_001270.4(CHD1):c.4067CTC[1] (p.Pro1357del)

Gene: CHD1 (chromodomain helicase DNA binding protein 1; minus strand). Cytogenetic location: 5q15.
Variant type: Microsatellite.
Coding change: c.4067CTC[1] on transcript NM_001270.4 (MANE Select); one copy of the 3-base unit CTC starting at c.4067; the reference has two copies in a row; one copy, 3 bases deleted.
Protein change: p.Pro1357del; deletes proline 1357.
Molecular consequence: inframe deletion. On other transcripts: non-coding transcript variant (2).
Genome position (GRCh38, 1-based): chr5:98,869,789-98,869,791, GAG deleted on the plus strand (CTC on the coding strand, the reverse complement: CHD1 is on the minus strand); deleting any 3 consecutive bases within chr5:98,869,789-98,869,794 gives the same sequence; the position shown is the placement nearest the transcript's 3' end. VCF-style (leftmost placement, unchanged base first): chr5-98869788-AGAG-A. GRCh37 (hg19) VCF-style: chr5-98205492-AGAG-A.
Other names: c.4067CTC[1], p.Pro1357del (NM_001364113.3, NM_001376194.2); short protein forms P1357del.
Identifiers: ClinVar variation 2673018 (VCV002673018.23), dbSNP rs748483198, ClinGen allele CA3355789.